The following is an entry in ClinVar:

NM_022168.4(IFIH1):c.1093A>G (p.Lys365Glu)

Gene: IFIH1 (interferon induced with helicase C domain 1; minus strand). Cytogenetic location: 2q24.2.
Variant type: single nucleotide variant.
Coding change: c.1093A>G on transcript NM_022168.4 (MANE Select); coding-DNA position 1093, A replaced by G.
Protein change: p.Lys365Glu; replaces lysine 365 with glutamic acid.
Molecular consequence: missense variant.
Genome position (GRCh38, 1-based): chr2:162,288,137, T>C on the plus strand (A>G on the coding strand, the complement: IFIH1 is on the minus strand). VCF-style: chr2-162288137-T-C. GRCh37 (hg19) VCF-style: chr2-163144647-T-C.
Other names: IFIH1, LYS365GLU (rs117608083); short protein forms K365E.
Identifiers: ClinVar variation 1167599 (VCV001167599.12), dbSNP rs117608083, ClinGen allele CA1934634.

ClinVar aggregate classification (germline): Benign/Likely benign. Review status: criteria provided, multiple submitters, no conflicts (2 of 4 stars). 4 submissions from 4 submitters: Benign (1); Likely benign (2). 1 of the submissions does not count toward it. Last evaluated 2026-02-02.

Conditions:
IFIH1-related disorder. Also called: IFIH1-related condition.
Singleton-Merten syndrome 1 (SGMRT1). Also called: Widened medullary cavities of bone, aortic calcification, abnormal dentition, and muscular weakness; Syndrome of widened medullary cavities of the metacarpals and phalanges, aortic calcification and abnormal dentition. Identifiers: Orphanet 85191, MedGen C4225427, MONDO:0024535, OMIM 182250.
Aicardi-Goutieres syndrome 7 (AGS7). Identifiers: Orphanet 51, MedGen C3888244, MONDO:0014367, OMIM 615846.
Immunodeficiency 95 (IMD95). Identifiers: MedGen C5676929, MONDO:0030692, OMIM 619773.

Allele frequency attached by ClinVar (database versions not stated): gnomAD exomes 0.00013 and 0.00052; gnomAD 0.00021 and 0.00027; TOPMed 0.00046; ExAC 0.00061; 1000 Genomes Project 30x 0.00109; 1000 Genomes Project 0.00120.
gnomAD v4.1: 243 of 1,595,412 alleles (0.015%); highest among the groups gnomAD compares: East Asian, 0.43%; 2 homozygotes.

Submissions (4):

Labcorp Genetics (formerly Invitae), Labcorp
Classification: Benign for Aicardi-Goutieres syndrome 7; Singleton-Merten syndrome 1. Last evaluated: 2026-02-02. Review status: criteria provided, single submitter. Criteria: Invitae Variant Classification Sherloc (09022015). Collection method: clinical testing. Allele origin: germline.

PreventionGenetics, part of Exact Sciences
Classification: Likely benign for IFIH1-related condition. Last evaluated: 2026-01-28. Review status: criteria provided, single submitter. Criteria: ACMG Guidelines, 2015. Collection method: clinical testing. Allele origin: germline.
Comment: This variant is classified as likely benign based on ACMG/AMP sequence variant interpretation guidelines (Richards et al. 2015 PMID: 25741868, with internal and published modifications).

Blueprint Genetics
Classification: Likely benign. Last evaluated: 2024-03-08. Review status: criteria provided, single submitter. Criteria: ACMG Guidelines, 2015. Collection method: clinical testing. Allele origin: germline.

OMIM
Classification: Pathogenic for IMMUNODEFICIENCY 95. Last evaluated: 2022-03-07. Review status: no assertion criteria provided. Collection method: literature only. Allele origin: germline. Not counted in ClinVar's aggregate classification.

Literature cited by the submitters: PubMed 28606988 (cited by OMIM).